The following is an entry in ClinVar:

ClinVar aggregate classification (germline): Conflicting classifications of pathogenicity. Review status: criteria provided, conflicting classifications (1 of 4 stars). 2 submissions from 2 submitters: Uncertain significance (1); Likely benign (1). Last evaluated 2022-11-01.

Conditions:
Autoinflammatory syndrome. Identifiers: Orphanet 93665, MedGen C3890737, MONDO:0019751.

Allele frequency attached by ClinVar (database versions not stated): gnomAD 0.00001.

Submissions (2):

CeGaT Center for Human Genetics Tuebingen
Classification: Likely benign. Last evaluated: 2022-11-01. Review status: criteria provided, single submitter. Criteria: CeGaT Center For Human Genetics Tuebingen Variant Classification Criteria Version 2. Collection method: clinical testing. Allele origin: germline. Affected: yes. Observed: 2 variant alleles.
Comment: STING1: BP4, BP7

Genome Diagnostics Laboratory, The Hospital for Sick Children
Classification: Uncertain significance for Autoinflammatory syndrome. Last evaluated: 2020-09-25. Review status: criteria provided, single submitter. Criteria: ACMG Guidelines, 2015. Collection method: clinical testing. Allele origin: germline. Affected: yes.

NM_198282.4(STING1):c.174G>T (p.Leu58=)

Gene: STING1 (stimulator of interferon response cGAMP interactor 1; minus strand). Cytogenetic location: 5q31.2.
Variant type: single nucleotide variant.
Coding change: c.174G>T on transcript NM_198282.4 (MANE Select); coding-DNA position 174, G replaced by T.
Protein change: p.Leu58=; no amino-acid change (leucine 58 retained).
Molecular consequence: synonymous variant. On other transcripts: intron variant (1).
Genome position (GRCh38, 1-based): chr5:139,481,531, C>A on the plus strand (G>T on the coding strand, the complement: STING1 is on the minus strand). VCF-style: chr5-139481531-C-A. GRCh37 (hg19) VCF-style: chr5-138861116-C-A.
Other names: c.174G>T, p.Leu58= (NM_001301738.2); c.-130-189G>T (NM_001367258.1).
Identifiers: ClinVar variation 1694176 (VCV001694176.27), dbSNP rs763523329, ClinGen allele CA3435492.
Genomic context (GRCh38, chr5:139,481,531, plus strand): 5'-GAGTCACCTGGAGTGGATGTGGCGCAGCTCCTCAGCCAGGCTGCAGACCCCGTTTAACAG[C>A]AGTCCCAGCTGCAGGGAGGCTAGGTGGAGCACCAGGTACCGGAGAGTGTGCTCTGGTGGC-3'
Protein context (NP_938023.1, residues 48-68): VLHLASLQLG[Leu58=]LLNGVCSLAE